The following is an entry in ClinVar:

ClinVar aggregate classification (germline): Uncertain significance. Review status: criteria provided, multiple submitters, no conflicts (2 of 4 stars). 2 submissions from 2 submitters: Uncertain significance (2). Last evaluated 2024-03-21.

Conditions:
Ataxia-telangiectasia syndrome (AT). Also called: ATAXIA-TELANGIECTASIA, COMPLEMENTATION GROUP A; ATAXIA-TELANGIECTASIA, FRESNO VARIANT; LOUIS-BAR SYNDROME; Ataxia-telangiectasia; Cerebello-oculocutaneous telangiectasia; Immunodeficiency with ataxia telangiectasia. Identifiers: Orphanet 100, MedGen C0004135, MONDO:0008840, OMIM 208900.

Submissions (2):

Labcorp Genetics (formerly Invitae), Labcorp
Classification: Uncertain significance for Ataxia-telangiectasia syndrome. Last evaluated: 2024-03-21. Review status: criteria provided, single submitter. Criteria: Invitae Variant Classification Sherloc (09022015). Collection method: clinical testing. Allele origin: germline.
Comment: This sequence change replaces serine, which is neutral and polar, with isoleucine, which is neutral and non-polar, at codon 1584 of the ATM protein (p.Ser1584Ile). This variant is not present in population databases (gnomAD no frequency). This variant has not been reported in the literature in individuals affected with ATM-related conditions. ClinVar contains an entry for this variant (Variation ID: 1478783). An algorithm developed to predict the effect of missense changes on protein structure and function (PolyPhen-2) suggests that this variant is likely to be tolerated. In summary, the available evidence is currently insufficient to determine the role of this variant in disease. Therefore, it has been classified as a Variant of Uncertain Significance.

GeneDx
Classification: Uncertain significance. Last evaluated: 2022-03-17. Review status: criteria provided, single submitter. Criteria: GeneDx Variant Classification Process June 2021. Collection method: clinical testing. Allele origin: germline. Affected: yes.
Comment: Not observed at significant frequency in large population cohorts (gnomAD); In silico analysis supports that this missense variant has a deleterious effect on protein structure/function; Has not been previously published as pathogenic or benign to our knowledge

NM_000051.4(ATM):c.4751G>T (p.Ser1584Ile)

Gene: ATM (ATM serine/threonine kinase; plus strand). Cytogenetic location: 11q22.3.
Variant type: single nucleotide variant.
Coding change: c.4751G>T on transcript NM_000051.4 (MANE Select); coding-DNA position 4751, G replaced by T.
Protein change: p.Ser1584Ile; replaces serine 1584 with isoleucine.
Molecular consequence: missense variant.
Genome position (GRCh38, 1-based): chr11:108,293,452, G>T. VCF-style: chr11-108293452-G-T. GRCh37 (hg19) VCF-style: chr11-108164179-G-T.
Other names: c.4751G>T, p.Ser1584Ile (NM_001351834.2); short protein forms S1584I.
Identifiers: ClinVar variation 1478783 (VCV001478783.10), dbSNP rs1591677692, ClinGen allele CA382535120.
Genomic context (GRCh38, chr11:108,293,452, plus strand): 5'-CTTTTCCTGACCATGTTGTTTTTAAGGATTTGCGTATTACTCAGCAAAAAATCAAATACA[G>T]TAGAGGACCCTTTTCACTCTTGGAGGTAATAAAAATTTCATCATCTACTATTTTTTATTA-3'
Protein context (NP_000042.3, residues 1574-1594): LRITQQKIKY[Ser1584Ile]RGPFSLLEEI